The following is an entry in ClinVar:

NM_001378454.1(ALMS1):c.12389A>G (p.Gln4130Arg)

Gene: ALMS1 (ALMS1 centrosome and basal body associated protein; plus strand). Cytogenetic location: 2p13.1.
Variant type: single nucleotide variant.
Coding change: c.12389A>G on transcript NM_001378454.1 (MANE Select); coding-DNA position 12389, A replaced by G.
Protein change: p.Gln4130Arg; replaces glutamine 4130 with arginine.
Molecular consequence: missense variant.
Genome position (GRCh38, 1-based): chr2:73,608,501, A>G. VCF-style: chr2-73608501-A-G. GRCh37 (hg19) VCF-style: chr2-73835628-A-G.
Other names: c.12392A>G, p.Gln4131Arg (NM_015120.4); short protein forms Q4131R, Q4130R.
Identifiers: ClinVar variation 392529 (VCV000392529.13), dbSNP rs371587051, ClinGen allele CA16604700.

ClinVar aggregate classification (germline): Uncertain significance. Review status: criteria provided, multiple submitters, no conflicts (2 of 4 stars). 7 submissions from 7 submitters: Uncertain significance (5). 2 of the submissions do not count toward it. Last evaluated 2025-05-22.

Conditions:
Cardiovascular phenotype. Identifiers: MedGen CN230736.
Alstrom syndrome (ALMS). Identifiers: Orphanet 64, MedGen C0268425, MONDO:0008763, OMIM 203800.

Allele frequency attached by ClinVar (database versions not stated): gnomAD exomes 0.00003 and 0.00006; gnomAD 0.00006; TOPMed 0.00006; ESP Exome Variant Server 0.00008.
gnomAD v4.1: 92 of 1,613,884 alleles (0.0057%); highest among the groups gnomAD compares: Non-Finnish European, 0.0075%; no homozygotes.

Submissions (7):

Women's Health and Genetics/Laboratory Corporation of America, LabCorp
Classification: Uncertain significance. Last evaluated: 2025-05-22. Review status: criteria provided, single submitter. Criteria: LabCorp Variant Classification Summary - May 2015. Collection method: clinical testing. Allele origin: germline.

Labcorp Genetics (formerly Invitae), Labcorp
Classification: Uncertain significance for Alstrom syndrome. Last evaluated: 2025-01-06. Review status: criteria provided, single submitter. Criteria: Invitae Variant Classification Sherloc (09022015). Collection method: clinical testing. Allele origin: germline.
Comment: This sequence change replaces glutamine, which is neutral and polar, with arginine, which is basic and polar, at codon 4131 of the ALMS1 protein (p.Gln4131Arg). This variant is present in population databases (rs371587051, gnomAD 0.007%). This variant has not been reported in the literature in individuals affected with ALMS1-related conditions. ClinVar contains an entry for this variant (Variation ID: 392529). An algorithm developed to predict the effect of missense changes on protein structure and function outputs the following: PolyPhen-2: "Not Available". The arginine amino acid residue is found in multiple mammalian species, which suggests that this missense change does not adversely affect protein function. In summary, the available evidence is currently insufficient to determine the role of this variant in disease. Therefore, it has been classified as a Variant of Uncertain Significance.

Ambry Genetics
Classification: Uncertain significance for Cardiovascular phenotype. Last evaluated: 2023-03-06. Review status: criteria provided, single submitter. Criteria: Ambry Variant Classification Scheme 2023. Collection method: clinical testing. Allele origin: germline.
Comment: The p.Q4131R variant (also known as c.12392A>G), located in coding exon 22 of the ALMS1 gene, results from an A to G substitution at nucleotide position 12392. The glutamine at codon 4131 is replaced by arginine, an amino acid with highly similar properties. This amino acid position is not well conserved in available vertebrate species. In addition, this alteration is predicted to be tolerated by in silico analysis. Since supporting evidence is limited at this time, the clinical significance of this alteration remains unclear.

Fulgent Genetics
Classification: Uncertain significance for Alstrom syndrome. Last evaluated: 2022-03-30. Review status: criteria provided, single submitter. Criteria: ACMG Guidelines, 2015. Collection method: clinical testing. Allele origin: unknown.

GeneDx
Classification: Uncertain significance. Last evaluated: 2017-01-06. Review status: criteria provided, single submitter. Criteria: GeneDx Variant Classification (06012015). Collection method: clinical testing. Allele origin: germline. Affected: yes.
Comment: A variant of uncertain significance has been identified in the ALMS1 gene. The Q4131R variant has not been published as a pathogenic variant, nor has it been reported as a benign variant to our knowledge. This variant was not observed with any significant frequency in approximately 6,000 individuals of European and African American ancestry in the NHLBI Exome Sequencing Project. The Q4131R variant is a semi-conservative amino acid substitution, which may impact secondary protein structure as these residues differ in some properties. However, this substitution occurs at a position that is not conserved across species and where Arginine is present as the wild type in multiple species. In silico analysis suggests that this variant likely does not alter the protein structure/function.

Natera, Inc.
Classification: Uncertain significance for Alstrom syndrome. Last evaluated: 2020-09-16. Review status: no assertion criteria provided. Collection method: clinical testing. Allele origin: germline. Not counted in ClinVar's aggregate classification.

Counsyl
Classification: Uncertain significance for Alstrom syndrome. Last evaluated: 2017-08-16. Review status: no assertion criteria provided. Collection method: clinical testing. Allele origin: unknown. Not counted in ClinVar's aggregate classification.